The following is an entry in ClinVar:

NM_002653.5(PITX1):c.613A>C (p.Met205Leu)

Gene: PITX1 (paired like homeodomain 1; minus strand). Cytogenetic location: 5q31.1.
Variant type: single nucleotide variant.
Coding change: c.613A>C on transcript NM_002653.5 (MANE Select); coding-DNA position 613, A replaced by C.
Protein change: p.Met205Leu; replaces methionine 205 with leucine.
Molecular consequence: missense variant.
Genome position (GRCh38, 1-based): chr5:135,029,111, T>G on the plus strand (A>C on the coding strand, the complement: PITX1 is on the minus strand). VCF-style: chr5-135029111-T-G. GRCh37 (hg19) VCF-style: chr5-134364801-T-G.
Other names: short protein forms M205L.
Identifiers: ClinVar variation 3664384 (VCV003664384.4).

ClinVar aggregate classification (germline): Conflicting classifications of pathogenicity. Review status: criteria provided, conflicting classifications (1 of 4 stars). 3 submissions from 3 submitters: Uncertain significance (1); Benign (1); Likely benign (1). Last evaluated 2024-07-12.

Conditions:
Multiple congenital anomalies/dysmorphic syndrome. Identifiers: Orphanet 68341, MedGen C5681310, MONDO:0019042.

gnomAD v4.1: 318 of 1,614,028 alleles (0.02%); highest among the groups gnomAD compares: Middle Eastern, 0.18%; no homozygotes.

Submissions (3):

Labcorp Genetics (formerly Invitae), Labcorp
Classification: Uncertain significance. Last evaluated: 2024-07-12. Review status: criteria provided, single submitter. Criteria: Invitae Variant Classification Sherloc (09022015). Collection method: clinical testing. Allele origin: germline.
Comment: This sequence change replaces methionine, which is neutral and non-polar, with leucine, which is neutral and non-polar, at codon 205 of the PITX1 protein (p.Met205Leu). This variant is present in population databases (rs149498254, gnomAD 0.03%). This variant has not been reported in the literature in individuals affected with PITX1-related conditions. Advanced modeling of protein sequence and biophysical properties (such as structural, functional, and spatial information, amino acid conservation, physicochemical variation, residue mobility, and thermodynamic stability) performed at Invitae indicates that this missense variant is not expected to disrupt PITX1 protein function with a negative predictive value of 80%. In summary, the available evidence is currently insufficient to determine the role of this variant in disease. Therefore, it has been classified as a Variant of Uncertain Significance.

Blueprint Genetics
Classification: Likely benign. Last evaluated: 2024-05-21. Review status: criteria provided, single submitter. Criteria: ACMG Guidelines, 2015. Collection method: clinical testing. Allele origin: germline.

Cambridge Genomics Laboratory, East Genomic Laboratory Hub, NHS Genomic Medicine Service
Classification: Benign for Multiple congenital anomalies/dysmorphic syndrome. Last evaluated: 2020-02-11. Review status: criteria provided, single submitter. Criteria: ACGS Best Practice Guidelines for Variant Classification in Rare Disease 2020. Collection method: clinical testing. Allele origin: germline. Affected: yes. Observed: 1 variant allele.